The following is an entry in ClinVar:

NM_000138.5(FBN1):c.12G>T (p.Gly4=)

Gene: FBN1 (fibrillin 1; minus strand). Cytogenetic location: 15q21.1.
Variant type: single nucleotide variant.
Coding change: c.12G>T on transcript NM_000138.5 (MANE Select); coding-DNA position 12, G replaced by T.
Protein change: p.Gly4=; no amino-acid change (glycine 4 retained).
Molecular consequence: synonymous variant.
Genome position (GRCh38, 1-based): chr15:48,644,758, C>A on the plus strand (G>T on the coding strand, the complement: FBN1 is on the minus strand). VCF-style: chr15-48644758-C-A. GRCh37 (hg19) VCF-style: chr15-48936955-C-A.
Other names: c.12G>T, p.Gly4= (NM_001406716.1, NM_001406717.1, NM_001406718.1).
Identifiers: ClinVar variation 3072849 (VCV003072849.1), dbSNP rs1890263419, ClinGen allele CA490090876.

ClinVar aggregate classification (germline): Likely benign (1 of 4 stars; one submission).

Conditions:
Marfan syndrome (MFS). Also called: MARFAN SYNDROME, TYPE I; Marfan syndrome type 1; Marfan's syndrome; Marfan syndrome, classic; FBN1-Related Marfan Syndrome. Identifiers: Orphanet 284963, Orphanet 558, MedGen C0024796, MONDO:0007947, OMIM 154700.

Allele frequency attached by ClinVar (database versions not stated): gnomAD exomes below 0.00001.
gnomAD v4.1: 1 of 1,611,390 alleles (0.000062%); highest among the groups gnomAD compares: South Asian, 0.0011%; no homozygotes.

Submission:

All of Us Research Program, National Institutes of Health
Classification: Likely benign for Marfan syndrome. Last evaluated: 2023-08-15. Review status: criteria provided, single submitter. Criteria: ACMG Guidelines, 2015. Collection method: clinical testing. Allele origin: germline. Inheritance: Autosomal dominant inheritance. Observed: 1 variant allele, 1 heterozygote.
Comment: This study involves interpretation of variants in research participants for the purpose of population health screening. Participant phenotype was not available at the time of variant classification. Additional details can be found in publication PMID: 35346344, PMCID: PMC8962531